The following is an entry in ClinVar:

ClinVar aggregate classification (germline): Uncertain significance (1 of 4 stars; one submission).

Conditions:
Epidermolysis bullosa simplex 3, localized or generalized intermediate, with BP230 deficiency (EBS3). Also called: Epidermolysis bullosa simplex due to BP230 deficiency; Epidermolysis bullosa simplex, autosomal recessive 2. Identifiers: Orphanet 412181, MedGen C3809470, MONDO:0014180, OMIM 615425.
Hereditary sensory and autonomic neuropathy type 6. Also called: Neuropathy, hereditary sensory and autonomic, type VI; HSAN VI. Identifiers: Orphanet 314381, MedGen C3539003, MONDO:0013839, OMIM 614653.

Submission:

Labcorp Genetics (formerly Invitae), Labcorp
Classification: Uncertain significance for Epidermolysis bullosa simplex 3, localized or generalized intermediate, with BP230 deficiency; Hereditary sensory and autonomic neuropathy type 6. Last evaluated: 2022-02-22. Review status: criteria provided, single submitter. Criteria: Invitae Variant Classification Sherloc (09022015). Collection method: clinical testing. Allele origin: germline.
Comment: This variant is not present in population databases (gnomAD no frequency). This sequence change replaces alanine, which is neutral and non-polar, with threonine, which is neutral and polar, at codon 4072 of the DST protein (p.Ala4072Thr). The DST gene has multiple clinically relevant transcripts. This variant occurs in alternate transcript NM_015548.4, and corresponds to NM_001723.5:c.*117650G>A in the primary transcript. This variant has not been reported in the literature in individuals affected with DST-related conditions. In summary, the available evidence is currently insufficient to determine the role of this variant in disease. Therefore, it has been classified as a Variant of Uncertain Significance. Experimental studies and prediction algorithms are not available or were not evaluated, and the functional significance of this variant is currently unknown.

NM_001374736.1(DST):c.20083G>A (p.Ala6695Thr)

Gene: DST (dystonin; minus strand). Cytogenetic location: 6p12.1.
Variant type: single nucleotide variant.
Coding change: c.20083G>A on transcript NM_001374736.1 (MANE Select); coding-DNA position 20083, G replaced by A.
Protein change: p.Ala6695Thr; replaces alanine 6695 with threonine.
Molecular consequence: missense variant.
Genome position (GRCh38, 1-based): chr6:56,497,867, C>T on the plus strand (G>A on the coding strand, the complement: DST is on the minus strand). VCF-style: chr6-56497867-C-T. GRCh37 (hg19) VCF-style: chr6-56362665-C-T.
Other names: c.19123G>A, p.Ala6375Thr (NM_001374729.1); c.12865G>A, p.Ala4289Thr (NM_001374730.1); c.20110G>A, p.Ala6704Thr (NM_001374734.1); c.13192G>A, p.Ala4398Thr (NM_001386100.1, NM_183380.4); c.12214G>A, p.Ala4072Thr (NM_015548.5); c.13726G>A, p.Ala4576Thr (NM_001144769.5); c.13312G>A, p.Ala4438Thr (NM_001144770.2); c.20083G>A, p.Ala6695Thr (NM_001374722.1); short protein forms A4072T, A4438T, A4576T, A6375T, A6695T, A4398T, A6704T, A4289T.
Identifiers: ClinVar variation 1495265 (VCV001495265.6), dbSNP rs2152453251, ClinGen allele CA364518908.
Genomic context (GRCh38, chr6:56,497,867, plus strand): 5'-TTTGGTCTTGAATGCTATAAAAACTTTCAGAATTTATTCTCTTACTCACCTGGCGCAAGG[C>T]ACCATCCAGCTGCTGCTTCCTTTGTTCTGTTTTTTCCAAAACATTTTGCCAGCGTTGATT-3'
Protein context (NP_001361665.1, residues 6685-6705): TEQRKQQLDG[Ala6695Thr]LRQAKGFHGE